The following is an entry in ClinVar:

ClinVar aggregate classification (germline): Conflicting classifications of pathogenicity. Review status: criteria provided, conflicting classifications (1 of 4 stars). 4 submissions from 4 submitters: Uncertain significance (3); Benign (1). Last evaluated 2024-10-21.

Conditions:
Familial thoracic aortic aneurysm and aortic dissection (TAAD). Also called: Thoracic aortic aneurysms and dissections. Identifiers: Orphanet 91387, MedGen C4707243, MONDO:0019625.
TGFB2-related disorder. Also called: TGFB2-related condition.
Loeys-Dietz syndrome 4 (LDS4). Also called: ANEURYSM, AORTIC AND CEREBRAL, WITH ARTERIAL TORTUOSITY AND SKELETAL MANIFESTATIONS; TGFB2-Related Loeys-Dietz Syndrome. Identifiers: MedGen C3553762, MONDO:0013897, OMIM 614816.

Allele frequency attached by ClinVar (database versions not stated): gnomAD 0.00001; ExAC 0.00002; TOPMed 0.00003; gnomAD exomes 0.00004.
gnomAD v4.1: 31 of 1,613,740 alleles (0.0019%); highest among the groups gnomAD compares: Admixed American, 0.017%; no homozygotes.

Submissions (4):

Ambry Genetics
Classification: Uncertain significance for Familial thoracic aortic aneurysm and aortic dissection. Last evaluated: 2024-10-21. Review status: criteria provided, single submitter. Criteria: Ambry Variant Classification Scheme 2023. Collection method: clinical testing. Allele origin: germline.
Comment: The p.H13N variant (also known as c.37C>A), located in coding exon 1 of the TGFB2 gene, results from a C to A substitution at nucleotide position 37. The histidine at codon 13 is replaced by asparagine, an amino acid with similar properties. This amino acid position is conserved. In addition, this alteration is predicted to be tolerated by in silico analysis. Based on the available evidence, the clinical significance of this variant remains unclear.

PreventionGenetics, part of Exact Sciences
Classification: Uncertain significance for TGFB2-related condition. Last evaluated: 2023-04-12. Review status: criteria provided, single submitter. Criteria: ACMG Guidelines, 2015. Collection method: clinical testing. Allele origin: germline.
Comment: The TGFB2 c.37C>A variant is predicted to result in the amino acid substitution p.His13Asn. To our knowledge, this variant has not been reported in the literature. This variant is reported in 0.015% of alleles in individuals of Latino descent in gnomAD. Although we suspect that this variant may be benign, at this time, the clinical significance of this variant is uncertain due to the absence of conclusive functional and genetic evidence.

Labcorp Genetics (formerly Invitae), Labcorp
Classification: Uncertain significance for Loeys-Dietz syndrome 4. Last evaluated: 2022-07-31. Review status: criteria provided, single submitter. Criteria: Invitae Variant Classification Sherloc (09022015). Collection method: clinical testing. Allele origin: germline.
Comment: This sequence change replaces histidine, which is basic and polar, with asparagine, which is neutral and polar, at codon 13 of the TGFB2 protein (p.His13Asn). This variant is present in population databases (rs763918203, gnomAD 0.01%). This variant has not been reported in the literature in individuals affected with TGFB2-related conditions. ClinVar contains an entry for this variant (Variation ID: 295485). Advanced modeling of protein sequence and biophysical properties (such as structural, functional, and spatial information, amino acid conservation, physicochemical variation, residue mobility, and thermodynamic stability) performed at Invitae indicates that this missense variant is not expected to disrupt TGFB2 protein function. In summary, the available evidence is currently insufficient to determine the role of this variant in disease. Therefore, it has been classified as a Variant of Uncertain Significance.

Illumina Laboratory Services, Illumina
Classification: Benign for Loeys-Dietz syndrome 4. Last evaluated: 2018-01-13. Review status: criteria provided, single submitter. Criteria: ICSL Variant Classification Criteria 13 December 2019. Collection method: clinical testing. Allele origin: germline.
Comment: This variant was observed in the ICSL laboratory as part of a predisposition screen in an ostensibly healthy population. It had not been previously curated by ICSL or reported in the Human Gene Mutation Database (HGMD: prior to June 1st, 2018), and was therefore a candidate for classification through an automated scoring system. Utilizing variant allele frequency, disease prevalence and penetrance estimates, and inheritance mode, an automated score was calculated to assess if this variant is too frequent to cause the disease. Based on the score and internal cut-off values, a variant classified as benign is not then subjected to further curation. The score for this variant resulted in a classification of benign for this disease.

NM_003238.6(TGFB2):c.37C>A (p.His13Asn)

Gene: TGFB2 (transforming growth factor beta 2; plus strand). Cytogenetic location: 1q41.
Variant type: single nucleotide variant.
Coding change: c.37C>A on transcript NM_003238.6 (MANE Select); coding-DNA position 37, C replaced by A.
Protein change: p.His13Asn; replaces histidine 13 with asparagine.
Molecular consequence: missense variant. On other transcripts: non-coding transcript variant (2).
Genome position (GRCh38, 1-based): chr1:218,346,738, C>A. VCF-style: chr1-218346738-C-A. GRCh37 (hg19) VCF-style: chr1-218520080-C-A.
Other names: c.37C>A (NM_003238.4); c.37C>A, p.His13Asn (NM_001135599.4); short protein forms H13N.
Identifiers: ClinVar variation 295485 (VCV000295485.17), dbSNP rs763918203, ClinGen allele CA1398364.